The following is an entry in ClinVar:

ClinVar aggregate classification (germline): Pathogenic (1 of 4 stars; one submission).

Submission:

Labcorp Genetics (formerly Invitae), Labcorp
Classification: Pathogenic. Last evaluated: 2025-10-08. Review status: criteria provided, single submitter. Criteria: Invitae Variant Classification Sherloc (09022015). Collection method: clinical testing. Allele origin: germline.
Comment: This sequence change affects a donor splice site in intron 2 of the DMP1 gene. It is expected to disrupt RNA splicing. Variants that disrupt the donor or acceptor splice site typically lead to a loss of protein function (PMID: 16199547), and loss-of-function variants in DMP1 are known to be pathogenic (PMID: 16294270, 17033621, 19007919). This variant is not present in population databases (gnomAD no frequency). Disruption of this splice site has been observed in individuals with hypophosphatemic rickets (PMID: 32920683, 36482408). It has also been observed to segregate with disease in related individuals. Algorithms developed to predict the effect of sequence changes on RNA splicing suggest that this variant may disrupt the consensus splice site. For these reasons, this variant has been classified as Pathogenic.

Literature cited by the submitters: PubMed 16199547; PubMed 16294270; PubMed 17033621; PubMed 19007919; PubMed 32920683; PubMed 36482408.

NM_004407.4(DMP1):c.54+1G>A

Genes: DMP1 (dentin matrix acidic phosphoprotein 1; plus strand), DMP1-AS1 (DMP1 and DSPP antisense RNA 1; minus strand). Cytogenetic location: 4q22.1.
Variant type: single nucleotide variant.
Coding change: c.54+1G>A on transcript NM_004407.4 (MANE Select); the canonical splice donor site of the intron after coding-DNA position 54, G replaced by A.
Molecular consequence: splice donor variant.
Genome position (GRCh38, 1-based): chr4:87,656,547, G>A. VCF-style: chr4-87656547-G-A. GRCh37 (hg19) VCF-style: chr4-88577699-G-A.
Other names: c.54+1G>A (NM_001079911.3).
Identifiers: ClinVar variation 4809279 (VCV004809279.1).